The following is an entry in ClinVar:

NM_020442.6(VARS2):c.1851G>A (p.Thr617=)

Genes: VARS2 (valyl-tRNA synthetase 2, mitochondrial; plus strand), LOC126859646 (MED14-independent group 3 enhancer GRCh37_chr6:30889690-30890889; plus strand). Cytogenetic location: 6p21.33.
Variant type: single nucleotide variant.
Coding change: c.1851G>A on transcript NM_020442.6 (MANE Select); coding-DNA position 1851, G replaced by A.
Protein change: p.Thr617=; no amino-acid change (threonine 617 retained).
Molecular consequence: synonymous variant.
Genome position (GRCh38, 1-based): chr6:30,922,160, G>A. VCF-style: chr6-30922160-G-A. GRCh37 (hg19) VCF-style: chr6-30889937-G-A.
Other names: c.1431G>A, p.Thr477= (NM_001167733.3); c.1941G>A, p.Thr647= (NM_001167734.2).
Identifiers: ClinVar variation 1439573 (VCV001439573.9), dbSNP rs771305166, ClinGen allele CA3706067.

ClinVar aggregate classification (germline): Uncertain significance (1 of 4 stars; one submission).

Allele frequency attached by ClinVar (database versions not stated): gnomAD exomes below 0.00001; ExAC 0.00001; gnomAD 0.00001; TOPMed 0.00001.

Submissions (2):

Labcorp Genetics (formerly Invitae), Labcorp
Classification: Uncertain significance. Last evaluated: 2022-11-08. Review status: criteria provided, single submitter. Criteria: Invitae Variant Classification Sherloc (09022015). Collection method: clinical testing. Allele origin: germline.
Comment: In summary, the available evidence is currently insufficient to determine the role of this variant in disease. Therefore, it has been classified as a Variant of Uncertain Significance. Algorithms developed to predict the effect of sequence changes on RNA splicing suggest that this variant may create or strengthen a splice site. ClinVar contains an entry for this variant (Variation ID: 1439573). This variant has not been reported in the literature in individuals affected with VARS2-related conditions. This variant is present in population databases (rs771305166, gnomAD 0.004%). This sequence change affects codon 647 of the VARS2 mRNA. It is a 'silent' change, meaning that it does not change the encoded amino acid sequence of the VARS2 protein.

Dr. Peter K. Rogan Lab, Western University
No classification provided (evidence only). Condition: Cervical cancer. Review status: no classification provided. Collection method: in vitro. Allele origin: not applicable. Functional consequence: retained intron. Not counted in ClinVar's aggregate classification.